The following is an entry in ClinVar:

ClinVar aggregate classification (germline): Likely benign (1 of 4 stars; one submission).

gnomAD v4.1: 17 of 1,613,740 alleles (0.0011%); highest among the groups gnomAD compares: Non-Finnish European, 0.0014%; no homozygotes.

Submission:

CeGaT Center for Human Genetics Tuebingen
Classification: Likely benign. Last evaluated: 2026-01-01. Review status: criteria provided, single submitter. Criteria: CeGaT Center For Human Genetics Tuebingen Variant Classification Criteria Version 2. Collection method: clinical testing. Allele origin: germline. Affected: yes. Observed: 1 variant allele.
Comment: GEMIN5: BP4, BP7

NM_015465.5(GEMIN5):c.3564C>T (p.Tyr1188=)

Gene: GEMIN5 (gem nuclear organelle associated protein 5; minus strand). Cytogenetic location: 5q33.2.
Variant type: single nucleotide variant.
Coding change: c.3564C>T on transcript NM_015465.5 (MANE Select); coding-DNA position 3564, C replaced by T.
Protein change: p.Tyr1188=; no amino-acid change (tyrosine 1188 retained).
Molecular consequence: synonymous variant.
Genome position (GRCh38, 1-based): chr5:154,896,125, G>A on the plus strand (C>T on the coding strand, the complement: GEMIN5 is on the minus strand). VCF-style: chr5-154896125-G-A. GRCh37 (hg19) VCF-style: chr5-154275685-G-A.
Other names: c.3561C>T, p.Tyr1187= (NM_001252156.2).
Identifiers: ClinVar variation 4821384 (VCV004821384.4).